The following is an entry in ClinVar:

ClinVar aggregate classification (germline): Likely pathogenic. Review status: criteria provided, single submitter (1 of 4 stars). 2 submissions from 2 submitters: Likely pathogenic (1). 1 of the submissions does not count toward it. Last evaluated 2025-10-22.

Conditions:
Mitochondrial complex 2 deficiency, nuclear type 2. Also called: MITOCHONDRIAL COMPLEX II DEFICIENCY, NUCLEAR TYPE 2. Identifiers: MedGen C5436933, MONDO:0030935, OMIM 619166.

Allele frequency attached by ClinVar (database versions not stated): 1000 Genomes Project 30x 0.00016.

Submissions (2):

Variantyx, Inc.
Classification: Likely pathogenic for Mitochondrial complex 2 deficiency, nuclear type 2. Last evaluated: 2025-10-22. Review status: criteria provided, single submitter. Criteria: Variantyx Assertion Criteria 2022. Collection method: clinical testing. Allele origin: germline. Inheritance: Autosomal recessive inheritance. Affected: yes.
Comment: This is a nonsynonymous variant in the SDHAF1 gene (OMIM: 612848). Pathogenic variants in this gene have been associated with autosomal recessive mitochondrial complex II deficiency, nuclear type 2. Biochemical analysis performed from tissue derived from at least one affected individual demonstrated autosomal recessive mitochondrial complex II deficiency, nuclear type 2, which has a limited genetic etiology (PMID: 22995659) (PP4). This variant has been observed to segregate with disease in at least 3 individuals from 2 families (PMID: 22995659, internal data) (PP1_Moderate), and multiple computational algorithms predict a deleterious effect for this variant (REVEL score: 0.766) (PP3). This variant is absent from control populations (PM2). Based on the current evidence, this variant is classified as likely pathogenic for autosomal recessive mitochondrial complex II deficiency, nuclear type 2.

OMIM
Classification: Pathogenic for MITOCHONDRIAL COMPLEX II DEFICIENCY, NUCLEAR TYPE 2. Last evaluated: 2021-03-16. Review status: no assertion criteria provided. Collection method: literature only. Allele origin: germline. Not counted in ClinVar's aggregate classification.

Literature cited by the submitters: PubMed 22995659 (cited by Variantyx, Inc. and OMIM).

NM_001042631.3(SDHAF1):c.170G>A (p.Gly57Glu)

Genes: SDHAF1 (succinate dehydrogenase complex assembly factor 1; plus strand), LOC130064280 (ATAC-STARR-seq lymphoblastoid silent region 10545; plus strand). Cytogenetic location: 19q13.12.
Variant type: single nucleotide variant.
Coding change: c.170G>A on transcript NM_001042631.3 (MANE Select); coding-DNA position 170, G replaced by A.
Protein change: p.Gly57Glu; replaces glycine 57 with glutamic acid.
Molecular consequence: missense variant.
Genome position (GRCh38, 1-based): chr19:35,995,444, G>A. VCF-style: chr19-35995444-G-A. GRCh37 (hg19) VCF-style: chr19-36486346-G-A.
Other names: short protein forms G57E.
Identifiers: ClinVar variation 1027545 (VCV001027545.3), dbSNP rs1976655209, ClinGen allele CA405423780.